The following is an entry in ClinVar:

NM_004104.5(FASN):c.2315A>G (p.Lys772Arg)

Gene: FASN (fatty acid synthase; minus strand). Cytogenetic location: 17q25.3.
Variant type: single nucleotide variant.
Coding change: c.2315A>G on transcript NM_004104.5 (MANE Select); coding-DNA position 2315, A replaced by G.
Protein change: p.Lys772Arg; replaces lysine 772 with arginine.
Molecular consequence: missense variant.
Genome position (GRCh38, 1-based): chr17:82,088,866, T>C on the plus strand (A>G on the coding strand, the complement: FASN is on the minus strand). VCF-style: chr17-82088866-T-C. GRCh37 (hg19) VCF-style: chr17-80046742-T-C.
Other names: c.2315A>G (NM_004104.4); short protein forms K772R.
Identifiers: ClinVar variation 1010583 (VCV001010583.9), dbSNP rs777552567, ClinGen allele CA8852827.

ClinVar aggregate classification (germline): Uncertain significance. Review status: criteria provided, multiple submitters, no conflicts (2 of 4 stars). 2 submissions from 2 submitters: Uncertain significance (2). Last evaluated 2026-01-30.

Conditions:
Epileptic encephalopathy. Identifiers: MedGen C0543888, HP:0200134.

Allele frequency attached by ClinVar (database versions not stated): gnomAD exomes 0.00001 and 0.00002; ExAC 0.00002; gnomAD 0.00005 and 0.00006; TOPMed 0.00006.
gnomAD v4.1: 23 of 1,612,350 alleles (0.0014%); highest among the groups gnomAD compares: African/African-American, 0.008%; no homozygotes.

Submissions (2):

Labcorp Genetics (formerly Invitae), Labcorp
Classification: Uncertain significance for Epileptic encephalopathy. Last evaluated: 2026-01-30. Review status: criteria provided, single submitter. Criteria: Invitae Variant Classification Sherloc (09022015). Collection method: clinical testing. Allele origin: germline.
Comment: This sequence change replaces lysine, which is basic and polar, with arginine, which is basic and polar, at codon 772 of the FASN protein (p.Lys772Arg). This variant is present in population databases (rs777552567, gnomAD 0.006%). This variant has not been reported in the literature in individuals affected with FASN-related conditions. ClinVar contains an entry for this variant (Variation ID: 1010583). An algorithm developed to predict the effect of missense changes on protein structure and function (PolyPhen-2) suggests that this variant is likely to be tolerated. In summary, the available evidence is currently insufficient to determine the role of this variant in disease. Therefore, it has been classified as a Variant of Uncertain Significance.

Ambry Genetics
Classification: Uncertain significance. Last evaluated: 2024-03-25. Review status: criteria provided, single submitter. Criteria: Ambry Variant Classification Scheme 2023. Collection method: clinical testing. Allele origin: germline.